The following is an entry in ClinVar:

ClinVar aggregate classification (germline): Uncertain significance. Review status: criteria provided, multiple submitters, no conflicts (2 of 4 stars). 4 submissions from 3 submitters: Uncertain significance (4). Last evaluated 2024-08-04.

Conditions:
Seckel syndrome 1 (SCKL1). Also called: MICROCEPHALIC PRIMORDIAL DWARFISM I. Identifiers: Orphanet 808, MedGen C4551474, MONDO:0008869, OMIM 210600.
Inborn genetic diseases. Identifiers: MedGen C0950123, MeSH D030342.
Familial cutaneous telangiectasia and oropharyngeal predisposition cancer syndrome. Identifiers: Orphanet 313846, MedGen C3281203, MONDO:0013806, OMIM 614564.

Submissions (4):

Ambry Genetics
Classification: Uncertain significance for Inborn genetic diseases. Last evaluated: 2024-08-04. Review status: criteria provided, single submitter. Criteria: Ambry Variant Classification Scheme 2023. Collection method: clinical testing. Allele origin: germline.
Comment: The p.N1153D variant (also known as c.3457A>G), located in coding exon 18 of the ATR gene, results from an A to G substitution at nucleotide position 3457. The asparagine at codon 1153 is replaced by aspartic acid, an amino acid with highly similar properties. This amino acid position is conserved. In addition, this alteration is predicted to be tolerated by in silico analysis. Since supporting evidence is limited at this time, the clinical significance of this alteration remains unclear.

Genome-Nilou Lab
Classification: Uncertain significance for Seckel syndrome 1. Last evaluated: 2023-02-08. Review status: criteria provided, single submitter. Criteria: ACMG Guidelines, 2015. Collection method: clinical testing. Allele origin: germline.

Genome-Nilou Lab
Classification: Uncertain significance for Familial cutaneous telangiectasia and oropharyngeal predisposition cancer syndrome. Last evaluated: 2023-02-08. Review status: criteria provided, single submitter. Criteria: ACMG Guidelines, 2015. Collection method: clinical testing. Allele origin: germline.

Illumina Laboratory Services, Illumina
Classification: Uncertain significance for Seckel syndrome 1. Last evaluated: 2018-01-13. Review status: criteria provided, single submitter. Criteria: ICSL Variant Classification Criteria 13 December 2019. Collection method: clinical testing. Allele origin: germline.

NM_001184.4(ATR):c.3457A>G (p.Asn1153Asp)

Gene: ATR (ATR checkpoint kinase; minus strand). Cytogenetic location: 3q23.
Variant type: single nucleotide variant.
Coding change: c.3457A>G on transcript NM_001184.4 (MANE Select); coding-DNA position 3457, A replaced by G.
Protein change: p.Asn1153Asp; replaces asparagine 1153 with aspartic acid.
Molecular consequence: missense variant.
Genome position (GRCh38, 1-based): chr3:142,541,028, T>C on the plus strand (A>G on the coding strand, the complement: ATR is on the minus strand). VCF-style: chr3-142541028-T-C. GRCh37 (hg19) VCF-style: chr3-142259870-T-C.
Other names: c.3265A>G, p.Asn1089Asp (NM_001354579.2); short protein forms N1089D, N1153D.
Identifiers: ClinVar variation 901119 (VCV000901119.8), dbSNP rs1442649106, ClinGen allele CA354808005.